The following is an entry in ClinVar:

ClinVar aggregate classification (germline): Conflicting classifications of pathogenicity. Review status: criteria provided, conflicting classifications (1 of 4 stars). 2 submissions from 2 submitters: Likely pathogenic (1); Likely benign (1). Last evaluated 2025-02-07.

Conditions:
Cataract 35 (CTRCT35). Identifiers: Orphanet 91492, Orphanet 98991, Orphanet 98992, Orphanet 98995, MedGen C1836272, MONDO:0012260, OMIM 609376.

Allele frequency attached by ClinVar (database versions not stated): ExAC 0.00001; gnomAD exomes 0.00001.
gnomAD v4.1: 10 of 1,614,166 alleles (0.00062%); highest among the groups gnomAD compares: East Asian, 0.0022%; no homozygotes.

Submissions (2):

Molecular Medicine Center, Medical University of Sofia
Classification: Likely pathogenic for Cataract 35. Last evaluated: 2025-02-07. Review status: criteria provided, single submitter. Criteria: ACMG Guidelines, 2015. Collection method: research. Allele origin: germline. Affected: yes.
Comment: Variant is classified as likely pathogenic according to the ACMG criteria: PM2, PP2, PP3, PP1.

Labcorp Genetics (formerly Invitae), Labcorp
Classification: Likely benign. Last evaluated: 2023-03-20. Review status: criteria provided, single submitter. Criteria: Invitae Variant Classification Sherloc (09022015). Collection method: clinical testing. Allele origin: germline.

NM_002473.6(MYH9):c.73G>A (p.Asp25Asn)

Gene: MYH9 (myosin heavy chain 9; minus strand). Cytogenetic location: 22q12.3.
Variant type: single nucleotide variant.
Coding change: c.73G>A on transcript NM_002473.6 (MANE Select); coding-DNA position 73, G replaced by A.
Protein change: p.Asp25Asn; replaces aspartic acid 25 with asparagine.
Molecular consequence: missense variant.
Genome position (GRCh38, 1-based): chr22:36,349,164, C>T on the plus strand (G>A on the coding strand, the complement: MYH9 is on the minus strand). VCF-style: chr22-36349164-C-T. GRCh37 (hg19) VCF-style: chr22-36745209-C-T.
Other names: short protein forms D25N.
Identifiers: ClinVar variation 2877735 (VCV002877735.4), dbSNP rs750944944, ClinGen allele CA10210725.
Genomic context (GRCh38, chr22:36,349,164, plus strand): 5'-TGGCTGGCTCAAAGCCACTCTTGTCGGAAGGCACCCATACCAGCTTCTTGGCAGCCCAGT[C>T]GGCCTGGGCCAGCGGATTGTTGATGAAGTTTTTATCCACATAGAGATACTTATCGGCAGC-3'
Protein context (NP_002464.1, residues 15-35): NFINNPLAQA[Asp25Asn]WAAKKLVWVP